The following is an entry in ClinVar:

ClinVar aggregate classification (germline): Uncertain significance (1 of 4 stars; one submission).

Allele frequency attached by ClinVar (database versions not stated): gnomAD exomes below 0.00001; TOPMed 0.00002.
gnomAD v4.1: 1 of 1,578,808 alleles (0.000063%); highest among the groups gnomAD compares: South Asian, 0.0012%; no homozygotes.

Submission:

Labcorp Genetics (formerly Invitae), Labcorp
Classification: Uncertain significance. Last evaluated: 2022-07-14. Review status: criteria provided, single submitter. Criteria: Invitae Variant Classification Sherloc (09022015). Collection method: clinical testing. Allele origin: germline.
Comment: This sequence change replaces threonine, which is neutral and polar, with alanine, which is neutral and non-polar, at codon 376 of the SCLT1 protein (p.Thr376Ala). This variant is not present in population databases (gnomAD no frequency). This variant has not been reported in the literature in individuals affected with SCLT1-related conditions. Algorithms developed to predict the effect of missense changes on protein structure and function output the following: SIFT: "Tolerated"; PolyPhen-2: "Benign"; Align-GVGD: "Class C0". The alanine amino acid residue is found in multiple mammalian species, which suggests that this missense change does not adversely affect protein function. In summary, the available evidence is currently insufficient to determine the role of this variant in disease. Therefore, it has been classified as a Variant of Uncertain Significance.

NM_144643.4(SCLT1):c.1126A>G (p.Thr376Ala)

Gene: SCLT1 (sodium channel and clathrin linker 1; minus strand). Cytogenetic location: 4q28.2.
Variant type: single nucleotide variant.
Coding change: c.1126A>G on transcript NM_144643.4 (MANE Select); coding-DNA position 1126, A replaced by G.
Protein change: p.Thr376Ala; replaces threonine 376 with alanine.
Molecular consequence: missense variant.
Genome position (GRCh38, 1-based): chr4:128,957,046, T>C on the plus strand (A>G on the coding strand, the complement: SCLT1 is on the minus strand). VCF-style: chr4-128957046-T-C. GRCh37 (hg19) VCF-style: chr4-129878201-T-C.
Other names: c.1126A>G, p.Thr376Ala (NM_001410807.1); short protein forms T376A.
Identifiers: ClinVar variation 2016890 (VCV002016890.1), dbSNP rs1739277110, ClinGen allele CA358188377.